The following is an entry in ClinVar:

ClinVar aggregate classification (germline): Pathogenic. Review status: reviewed by expert panel (3 of 4 stars). 2 submissions from 2 submitters: Pathogenic (1). 1 of the submissions does not count toward it. Last evaluated 2017-12-15.

Conditions:
Breast-ovarian cancer, familial, susceptibility to, 1 (BROVCA1). Also called: BRCA1 Hereditary Breast and Ovarian Cancer; OVARIAN CANCER, SUSCEPTIBILITY TO. Identifiers: Orphanet 145, MedGen C2676676, MONDO:0011450, OMIM 604370. Disease mechanism: loss of function.
Hereditary breast ovarian cancer syndrome. Also called: Hereditary breast and ovarian cancer; Hereditary breast and ovarian cancer syndrome; Hereditary breast and ovarian cancer syndrome (HBOC); Breast and ovarian cancer; BRCA1- and BRCA2-Associated Hereditary Breast and Ovarian Cancer; Hereditary breast and/or ovarian cancer syndrome. Identifiers: Orphanet 145, MedGen C0677776, MeSH D061325, MONDO:0003582. Disease mechanism: loss of function.

Submissions (2):

Evidence-based Network for the Interpretation of Germline Mutant Alleles (ENIGMA)
Classification: Pathogenic for Breast-ovarian cancer, familial, susceptibility to, 1. Last evaluated: 2017-12-15. Review status: reviewed by expert panel. Criteria: ENIGMA BRCA1/2 Classification Criteria (2017-06-29). Collection method: curation. Allele origin: germline. Study: ENIGMA.
Comment: Variant allele predicted to encode a truncated non-functional protein.

Research Molecular Genetics Laboratory, Women's College Hospital, University of Toronto
Classification: Pathogenic for Hereditary breast ovarian cancer syndrome. Last evaluated: 2014-01-31. Review status: no assertion criteria provided. Collection method: research. Allele origin: germline. Affected: yes. Study: The Canadian Open Genetics Repository (COGR). Not counted in ClinVar's aggregate classification.

NM_007294.4(BRCA1):c.2903dup (p.Asn969fs)

Gene: BRCA1 (BRCA1 DNA repair associated; minus strand). Cytogenetic location: 17q21.31.
Variant type: Duplication.
Coding change: c.2903dup on transcript NM_007294.4 (MANE Select); coding-DNA position 2903, one base duplicated (C; older notation c.2903dupC).
Protein change: p.Asn969fs; shifts the reading frame from asparagine 969.
Molecular consequence: frameshift variant. On other transcripts: intron variant (137).
Genome position (GRCh38, 1-based): chr17:43,092,628, G duplicated on the plus strand (C on the coding strand, the reverse complement: BRCA1 is on the minus strand); the first of 2 consecutive G bases (chr17:43,092,628-43,092,629); duplicating either gives the same sequence. VCF-style (leftmost placement, unchanged base first): chr17-43092627-T-TG. GRCh37 (hg19) VCF-style: chr17-41244644-T-TG.
Other names: c.2903dupC (NM_007294.3); c.2519dup, p.Asn841fs (NM_001407962.1); c.2522dup, p.Asn842fs (NM_001407963.1, NM_001407959.1, NM_001407960.1); c.2759dup, p.Asn921fs (NM_001407964.1, NM_001407740.1, NM_001407741.1 and 20 more transcripts); c.2399dup, p.Asn801fs (NM_001407965.1); c.2015dup, p.Asn673fs (NM_001407966.1, NM_001407967.1); c.2762dup, p.Asn922fs (NM_007297.4, NM_001407692.1, NM_001407694.1 and 29 more transcripts); c.2903dup, p.Asn969fs (NM_007300.4, NM_001407581.1, NM_001407582.1 and 30 more transcripts); and 42 more; short protein forms N969fs, N922fs, N898fs, N968fs, N673fs, N801fs, N841fs, N899fs.
Identifiers: ClinVar variation 548203 (VCV000548203.2), dbSNP rs1555588756, ClinGen allele CA645373188.